The following is an entry in ClinVar:

ClinVar aggregate classification (germline): Uncertain significance (1 of 4 stars; one submission).

gnomAD v4.1: 1 of 1,614,096 alleles (0.000062%); highest among the groups gnomAD compares: Admixed American, 0.0017%; no homozygotes.

Submission:

Labcorp Genetics (formerly Invitae), Labcorp
Classification: Uncertain significance. Last evaluated: 2025-05-30. Review status: criteria provided, single submitter. Criteria: Invitae Variant Classification Sherloc (09022015). Collection method: clinical testing. Allele origin: germline.
Comment: This sequence change replaces valine, which is neutral and non-polar, with isoleucine, which is neutral and non-polar, at codon 1037 of the ABCA3 protein (p.Val1037Ile). This variant is not present in population databases (gnomAD no frequency). This variant has not been reported in the literature in individuals affected with ABCA3-related conditions. Invitae Evidence Modeling of protein sequence and biophysical properties (such as structural, functional, and spatial information, amino acid conservation, physicochemical variation, residue mobility, and thermodynamic stability) indicates that this missense variant is not expected to disrupt ABCA3 protein function with a negative predictive value of 80%. In summary, the available evidence is currently insufficient to determine the role of this variant in disease. Therefore, it has been classified as a Variant of Uncertain Significance.

NM_001089.3(ABCA3):c.3109G>A (p.Val1037Ile)

Gene: ABCA3 (ATP binding cassette subfamily A member 3; minus strand). Cytogenetic location: 16p13.3.
Variant type: single nucleotide variant.
Coding change: c.3109G>A on transcript NM_001089.3 (MANE Select); coding-DNA position 3109, G replaced by A.
Protein change: p.Val1037Ile; replaces valine 1037 with isoleucine.
Molecular consequence: missense variant.
Genome position (GRCh38, 1-based): chr16:2,286,863, C>T on the plus strand (G>A on the coding strand, the complement: ABCA3 is on the minus strand). VCF-style: chr16-2286863-C-T. GRCh37 (hg19) VCF-style: chr16-2336864-C-T.
Other names: short protein forms V1037I.
Identifiers: ClinVar variation 4770663 (VCV004770663.1).